The following is an entry in ClinVar:

ClinVar aggregate classification (germline): Uncertain significance. Review status: criteria provided, multiple submitters, no conflicts (2 of 4 stars). 2 submissions from 2 submitters: Uncertain significance (2). Last evaluated 2025-08-29.

Conditions:
Inborn genetic diseases. Identifiers: MedGen C0950123, MeSH D030342.

Allele frequency attached by ClinVar (database versions not stated): ExAC 0.00001; gnomAD 0.00003 and 0.00004; TOPMed 0.00001; gnomAD exomes 0.00002.
gnomAD v4.1: 38 of 1,605,934 alleles (0.0024%); highest among the groups gnomAD compares: African/African-American, 0.008%; no homozygotes.

Submissions (2):

Ambry Genetics
Classification: Uncertain significance for Inborn genetic diseases. Last evaluated: 2025-08-29. Review status: criteria provided, single submitter. Criteria: Ambry Variant Classification Scheme 2023. Collection method: clinical testing. Allele origin: germline.

Labcorp Genetics (formerly Invitae), Labcorp
Classification: Uncertain significance. Last evaluated: 2024-03-07. Review status: criteria provided, single submitter. Criteria: Invitae Variant Classification Sherloc (09022015). Collection method: clinical testing. Allele origin: germline.
Comment: This sequence change replaces threonine, which is neutral and polar, with methionine, which is neutral and non-polar, at codon 290 of the XYLT2 protein (p.Thr290Met). This variant is present in population databases (rs745745346, gnomAD 0.01%). This variant has not been reported in the literature in individuals affected with XYLT2-related conditions. ClinVar contains an entry for this variant (Variation ID: 1462729). Advanced modeling of protein sequence and biophysical properties (such as structural, functional, and spatial information, amino acid conservation, physicochemical variation, residue mobility, and thermodynamic stability) has been performed at Invitae for this missense variant, however the output from this modeling did not meet the statistical confidence thresholds required to predict the impact of this variant on XYLT2 protein function. In summary, the available evidence is currently insufficient to determine the role of this variant in disease. Therefore, it has been classified as a Variant of Uncertain Significance.

NM_022167.4(XYLT2):c.869C>T (p.Thr290Met)

Gene: XYLT2 (xylosyltransferase 2; plus strand). Cytogenetic location: 17q21.33.
Variant type: single nucleotide variant.
Coding change: c.869C>T on transcript NM_022167.4 (MANE Select); coding-DNA position 869, C replaced by T.
Protein change: p.Thr290Met; replaces threonine 290 with methionine.
Molecular consequence: missense variant.
Genome position (GRCh38, 1-based): chr17:50,354,918, C>T. VCF-style: chr17-50354918-C-T. GRCh37 (hg19) VCF-style: chr17-48432279-C-T.
Other names: short protein forms T290M.
Identifiers: ClinVar variation 1462729 (VCV001462729.8), dbSNP rs745745346, ClinGen allele CA8646296.